The following is an entry in ClinVar:

NM_000814.6(GABRB3):c.462-90C>T

Gene: GABRB3 (gamma-aminobutyric acid type A receptor subunit beta3; minus strand). Cytogenetic location: 15q12.
Variant type: single nucleotide variant.
Coding change: c.462-90C>T on transcript NM_000814.6 (MANE Select); 90 bases into the intron before coding-DNA position 462, C replaced by T.
Molecular consequence: intron variant.
Genome position (GRCh38, 1-based): chr15:26,583,504, G>A on the plus strand (C>T on the coding strand, the complement: GABRB3 is on the minus strand). VCF-style: chr15-26583504-G-A. GRCh37 (hg19) VCF-style: chr15-26828651-G-A.
Other names: c.462-90C>T (NM_021912.5); c.207-90C>T (NM_001278631.2, NM_001191320.2); c.249-90C>T (NM_001191321.3).
Identifiers: ClinVar variation 680288 (VCV000680288.2), dbSNP rs72702138, ClinGen allele CA14193740.
Genomic context (GRCh38, chr15:26,583,504, plus strand): 5'-AAAGAAGGGCTGAGAAATGTATCAGGGAGACTCCTCTTAGATAAACGAGTAAGCCCCTGT[G>A]GGAACCCTGCCCAAAGTACGCCTGGCTAAACATCATTCACTATATATAGAGAGAAACTTG-3'

ClinVar aggregate classification (germline): Benign. Review status: criteria provided, multiple submitters, no conflicts (2 of 4 stars). 2 submissions from 2 submitters: Benign (2). Last evaluated 2018-06-14.

Allele frequency attached by ClinVar (database versions not stated): 1000 Genomes Project 30x 0.09635; 1000 Genomes Project 0.10064; TOPMed 0.12492; gnomAD 0.14081 and 0.14135; gnomAD exomes 0.17715.
gnomAD v4.1: 179,786 of 1,049,420 alleles (17%); highest among the groups gnomAD compares: Non-Finnish European, 19%; 16,999 homozygotes.

Submissions (2):

GeneDx
Classification: Benign. Last evaluated: 2018-06-14. Review status: criteria provided, single submitter. Criteria: GeneDx Variant Classification (06012015). Collection method: clinical testing. Allele origin: germline. Affected: yes.
Comment: This variant is considered likely benign or benign based on one or more of the following criteria: it is a conservative change, it occurs at a poorly conserved position in the protein, it is predicted to be benign by multiple in silico algorithms, and/or has population frequency not consistent with disease.

Breakthrough Genomics
Classification: Benign. Review status: criteria provided, single submitter. Criteria: ACMG Guidelines, 2015. Collection method: not provided. Allele origin: germline. Inheritance: Autosomal dominant inheritance. Affected: yes.